The following is an entry in ClinVar:

NM_000552.5(VWF):c.3922C>G (p.Arg1308Gly)

Gene: VWF (von Willebrand factor; minus strand). Cytogenetic location: 12p13.31.
Variant type: single nucleotide variant.
Coding change: c.3922C>G on transcript NM_000552.5 (MANE Select); coding-DNA position 3922, C replaced by G.
Protein change: p.Arg1308Gly; replaces arginine 1308 with glycine.
Molecular consequence: missense variant.
Genome position (GRCh38, 1-based): chr12:6,019,496, G>C on the plus strand (C>G on the coding strand, the complement: VWF is on the minus strand). VCF-style: chr12-6019496-G-C. GRCh37 (hg19) VCF-style: chr12-6128662-G-C.
Other names: short protein forms R1308G.
Identifiers: ClinVar variation 4993146 (VCV004993146.1).

ClinVar aggregate classification (germline): Likely pathogenic (1 of 4 stars; one submission).

Conditions:
VWF-related disorder. Also called: VWF-related condition; VWF-related disorders.

Submission:

PreventionGenetics, part of Exact Sciences
Classification: Likely pathogenic for VWF-related condition. Last evaluated: 2026-08-24. Review status: criteria provided, single submitter. Criteria: ACMG Guidelines, 2015. Collection method: clinical testing. Allele origin: germline.
Comment: The VWF c.3922C>G variant is predicted to result in the amino acid substitution p.Arg1308Gly. To our knowledge, this variant has not been reported in the literature or in a large population database (gnomAD), indicating this variant is rare. Numerous alternate nucleotide substitutions affecting the same amino acid (p.Arg1308Cys, p.Arg1308Ser, p.Arg1308His, p.Arg1308Leu) have been reported in individuals with von Willebrand disease (Freitas et al. 2019. PubMed ID: 30817071; Hatta et al. 2015. PubMed ID: 26278967; Meyer et al. 1997. PubMed ID: 9198195; Tischer et al. 2014. PubMed ID: 25185554). The p.Arg1308Gly variant is interpreted as likely pathogenic.